The following is an entry in ClinVar:

ClinVar aggregate classification (germline): Pathogenic (1 of 4 stars; one submission).

Conditions:
Duchenne muscular dystrophy (DMD). Also called: Duchenne Muscular Dystrophy (DMD); MUSCULAR DYSTROPHY, PSEUDOHYPERTROPHIC PROGRESSIVE, DUCHENNE TYPE. Identifiers: Orphanet 98896, MedGen C0013264, MONDO:0010679, OMIM 310200.

Submission:

Labcorp Genetics (formerly Invitae), Labcorp
Classification: Pathogenic for Duchenne muscular dystrophy. Last evaluated: 2022-10-20. Review status: criteria provided, single submitter. Criteria: Invitae Variant Classification Sherloc (09022015). Collection method: clinical testing. Allele origin: germline.
Comment: This variant is a gross deletion of the genomic region encompassing exon(s) 49 of the DMD gene. This variant would be expected to be in-frame, preserving the integrity of the reading frame. A similar copy number variant has been observed in individual(s) with DMD-related conditions (PMID: 9619643, 14977063, 27854212). For these reasons, this variant has been classified as Pathogenic.

Literature cited by the submitters: PubMed 9619643; PubMed 14977063; PubMed 27854212.

NC_000023.10:g.(?_31854815)_(31854956_?)del

Gene: DMD (dystrophin; minus strand). Cytogenetic location: Xp21.1.
Variant type: Deletion.
Identifiers: ClinVar variation 2424815 (VCV002424815.4).